The following is an entry in ClinVar:

NM_000530.8(MPZ):c.250A>G (p.Lys84Glu)

Gene: MPZ (myelin protein zero; minus strand). Cytogenetic location: 1q23.3.
Variant type: single nucleotide variant.
Coding change: c.250A>G on transcript NM_000530.8 (MANE Select); coding-DNA position 250, A replaced by G.
Protein change: p.Lys84Glu; replaces lysine 84 with glutamic acid.
Molecular consequence: missense variant.
Genome position (GRCh38, 1-based): chr1:161,306,906, T>C on the plus strand (A>G on the coding strand, the complement: MPZ is on the minus strand). VCF-style: chr1-161306906-T-C. GRCh37 (hg19) VCF-style: chr1-161276696-T-C.
Other names: c.250A>G, p.Lys84Glu (NM_001315491.2); short protein forms K84E.
Identifiers: ClinVar variation 2710423 (VCV002710423.3), dbSNP rs2526239109, ClinGen allele CA343349972.

ClinVar aggregate classification (germline): Uncertain significance (1 of 4 stars; one submission).

Conditions:
Charcot-Marie-Tooth disease, type I (CMT1). Also called: Charcot-Marie-Tooth disease type 1; Charcot-Marie-Tooth, Type 1. Identifiers: Orphanet 65753, MedGen C0751036, MONDO:0019011.

Submission:

Labcorp Genetics (formerly Invitae), Labcorp
Classification: Uncertain significance for Charcot-Marie-Tooth disease, type I. Last evaluated: 2024-01-20. Review status: criteria provided, single submitter. Criteria: Invitae Variant Classification Sherloc (09022015). Collection method: clinical testing. Allele origin: germline.
Comment: This sequence change replaces lysine, which is basic and polar, with glutamic acid, which is acidic and polar, at codon 84 of the MPZ protein (p.Lys84Glu). This variant is not present in population databases (gnomAD no frequency). This variant has not been reported in the literature in individuals affected with MPZ-related conditions. Advanced modeling of protein sequence and biophysical properties (such as structural, functional, and spatial information, amino acid conservation, physicochemical variation, residue mobility, and thermodynamic stability) performed at Invitae indicates that this missense variant is not expected to disrupt MPZ protein function with a negative predictive value of 80%. In summary, the available evidence is currently insufficient to determine the role of this variant in disease. Therefore, it has been classified as a Variant of Uncertain Significance.